The following is an entry in ClinVar:

NM_052947.4(ALPK2):c.1584G>C (p.Lys528Asn)

Gene: ALPK2 (alpha kinase 2; minus strand). Cytogenetic location: 18q21.31.
Variant type: single nucleotide variant.
Coding change: c.1584G>C on transcript NM_052947.4 (MANE Select); coding-DNA position 1584, G replaced by C.
Protein change: p.Lys528Asn; replaces lysine 528 with asparagine.
Molecular consequence: missense variant.
Genome position (GRCh38, 1-based): chr18:58,579,192, C>G on the plus strand (G>C on the coding strand, the complement: ALPK2 is on the minus strand). VCF-style: chr18-58579192-C-G. GRCh37 (hg19) VCF-style: chr18-56246424-C-G.
Other names: short protein forms K528N.
Identifiers: ClinVar variation 1775776 (VCV001775776.2), dbSNP rs754029934, ClinGen allele CA8977217.
Genomic context (GRCh38, chr18:58,579,192, plus strand): 5'-CTTCTTGGGATTTCCCTTCATTCCCGGCTGCCTCACCCTGGCAGATTTCCTTGAACCCCT[C>G]TTGCTCCATAAGTCCTTTCCCCCCACTCTCTTGTCAGCTGCCGTCTCCCAACACTGGCTC-3'
Protein context (NP_443179.3, residues 518-538): KRVGGKDLWS[Lys528Asn]RGSRKSARVR

ClinVar aggregate classification (germline): Uncertain significance (1 of 4 stars; one submission).

Allele frequency attached by ClinVar (database versions not stated): gnomAD exomes below 0.00001; ExAC 0.00001.
gnomAD v4.1: 1 of 1,614,170 alleles (0.000062%); highest among the groups gnomAD compares: Non-Finnish European, 0.000085%; no homozygotes.

Submission:

Ambry Genetics
Classification: Uncertain significance. Last evaluated: 2022-07-27. Review status: criteria provided, single submitter. Criteria: Ambry Variant Classification Scheme 2023. Collection method: clinical testing. Allele origin: germline.
Comment: The p.K528N variant (also known as c.1584G>C), located in coding exon 3 of the ALPK2 gene, results from a G to C substitution at nucleotide position 1584. The lysine at codon 528 is replaced by asparagine, an amino acid with similar properties. This amino acid position is conserved. In addition, this alteration is predicted to be tolerated by in silico analysis. Since supporting evidence is limited at this time, the clinical significance of this alteration remains unclear.